The following is an entry in ClinVar:

NM_022114.4(PRDM16):c.470G>C (p.Cys157Ser)

Gene: PRDM16 (PR/SET domain 16; plus strand). Cytogenetic location: 1p36.32.
Variant type: single nucleotide variant.
Coding change: c.470G>C on transcript NM_022114.4 (MANE Select); coding-DNA position 470, G replaced by C.
Protein change: p.Cys157Ser; replaces cysteine 157 with serine.
Molecular consequence: missense variant.
Genome position (GRCh38, 1-based): chr1:3,385,183, G>C. VCF-style: chr1-3385183-G-C. GRCh37 (hg19) VCF-style: chr1-3301747-G-C.
Other names: c.470G>C, p.Cys157Ser (NM_199454.3); short protein forms C157S.
Identifiers: ClinVar variation 1371990 (VCV001371990.6), dbSNP rs1306661340, ClinGen allele CA338000430.

ClinVar aggregate classification (germline): Uncertain significance (1 of 4 stars; one submission).

Conditions:
Left ventricular noncompaction 8 (LVNC8). Identifiers: Orphanet 154, Orphanet 54260, MedGen C3809288, MONDO:0014152, OMIM 615373.

Submission:

Labcorp Genetics (formerly Invitae), Labcorp
Classification: Uncertain significance for Left ventricular noncompaction 8. Last evaluated: 2024-10-15. Review status: criteria provided, single submitter. Criteria: Invitae Variant Classification Sherloc (09022015). Collection method: clinical testing. Allele origin: germline.
Comment: This sequence change replaces cysteine, which is neutral and slightly polar, with serine, which is neutral and polar, at codon 157 of the PRDM16 protein (p.Cys157Ser). This variant is not present in population databases (gnomAD no frequency). This variant has not been reported in the literature in individuals affected with PRDM16-related conditions. ClinVar contains an entry for this variant (Variation ID: 1371990). An algorithm developed to predict the effect of missense changes on protein structure and function (PolyPhen-2) suggests that this variant is likely to be tolerated. In summary, the available evidence is currently insufficient to determine the role of this variant in disease. Therefore, it has been classified as a Variant of Uncertain Significance.